The following is an entry in ClinVar:

NM_001845.6(COL4A1):c.145G>C (p.Gly49Arg)

Gene: COL4A1 (collagen type IV alpha 1 chain; minus strand). Cytogenetic location: 13q34.
Variant type: single nucleotide variant.
Coding change: c.145G>C on transcript NM_001845.6 (MANE Select); coding-DNA position 145, G replaced by C.
Protein change: p.Gly49Arg; replaces glycine 49 with arginine.
Molecular consequence: missense variant.
Genome position (GRCh38, 1-based): chr13:110,214,015, C>G on the plus strand (G>C on the coding strand, the complement: COL4A1 is on the minus strand). VCF-style: chr13-110214015-C-G. GRCh37 (hg19) VCF-style: chr13-110866362-C-G.
Other names: c.145G>C, p.Gly49Arg (NM_001303110.2); short protein forms G49R.
Identifiers: ClinVar variation 4854260 (VCV004854260.1).

ClinVar aggregate classification (germline): Uncertain significance (1 of 4 stars; one submission).

Conditions:
COL4A1-related disorder. Also called: COL4A1-related condition; COL4A1-related disorders. Identifiers: MedGen CN376119, MONDO:0800461.

Submission:

3billion
Classification: Uncertain significance for COL4A1-related disorder. Last evaluated: 2025-11-10. Review status: criteria provided, single submitter. Criteria: ACMG Guidelines, 2015. Collection method: clinical testing. Allele origin: germline. Affected: yes.
Comment: The variant is not observed in the gnomAD v4.1.0 dataset. Predicted Consequence/Location: Missense variant In silico tool predictions suggest damaging effect of the variant on gene or gene product [REVEL: 0.92 (>=0.6, sensitivity 0.68 and specificity 0.92); 3Cnet: 0.71 (> 0.75, sensitivity 0.96 and precision 0.92)]. A different missense change at the same codon (p.Gly49Asp) has been reported to be associated with COL4A1-related disorder (ClinVar ID: VCV001803140). Therefore, this variant is classified as VUS according to the recommendation of ACMG/AMP guideline.